The following is an entry in ClinVar:

NM_001127898.4(CLCN5):c.524_525del (p.Asn174_Ser175insTer)

Gene: CLCN5 (Cl-/H+ antiporter 5; plus strand). Cytogenetic location: Xp11.23.
Variant type: Microsatellite.
Coding change: c.524_525del on transcript NM_001127898.4 (MANE Select); coding-DNA positions 524 to 525, 2 bases deleted (CT; older notation c.524_525delCT).
Protein change: p.Asn174_Ser175insTer.
Molecular consequence: nonsense.
Genome position (GRCh38, 1-based): chrX:50,075,903-50,075,904, CT deleted; deleting any 2 consecutive bases within chrX:50,075,901-50,075,904 gives the same sequence; the c. name uses the placement nearest the transcript's 3' end. VCF-style (leftmost placement, unchanged base first): chrX-50075900-ACT-A. GRCh37 (hg19) VCF-style: chrX-49840555-ACT-A.
Other names: c.314_315del, p.Asn104_Ser105insTer (NM_000084.5); c.524_525del, p.Asn174_Ser175insTer (NM_001127899.4); c.374_375del, p.Asn124_Ser125insTer (NM_001282163.2).
Identifiers: ClinVar variation 2694871 (VCV002694871.3), dbSNP rs2519406951, ClinGen allele CA2697553114.

ClinVar aggregate classification (germline): Pathogenic (1 of 4 stars; one submission).

Submission:

Labcorp Genetics (formerly Invitae), Labcorp
Classification: Pathogenic. Last evaluated: 2025-06-12. Review status: criteria provided, single submitter. Criteria: Invitae Variant Classification Sherloc (09022015). Collection method: clinical testing. Allele origin: germline.
Comment: This sequence change creates a premature translational stop signal (p.Ser105*) in the CLCN5 gene. It is expected to result in an absent or disrupted protein product. Loss-of-function variants in CLCN5 are known to be pathogenic (PMID: 22876375, 25907713). This variant is not present in population databases (gnomAD no frequency). This variant has not been reported in the literature in individuals affected with CLCN5-related conditions. For these reasons, this variant has been classified as Pathogenic.

Literature cited by the submitters: PubMed 22876375; PubMed 25907713.